The following is an entry in ClinVar:

ClinVar aggregate classification (germline): Uncertain significance (1 of 4 stars; one submission).

Conditions:
MOGS-congenital disorder of glycosylation. Also called: MOGS-CDG; CDG 2B; CDG IIb; GLUCOSIDASE I DEFICIENCY. Identifiers: Orphanet 79330, MedGen C1853736, MONDO:0011629, OMIM 606056.

gnomAD v4.1: 38 of 1,614,166 alleles (0.0024%); highest among the groups gnomAD compares: South Asian, 0.027%; no homozygotes.

Submission:

Labcorp Genetics (formerly Invitae), Labcorp
Classification: Uncertain significance for MOGS-congenital disorder of glycosylation. Last evaluated: 2025-04-26. Review status: criteria provided, single submitter. Criteria: Invitae Variant Classification Sherloc (09022015). Collection method: clinical testing. Allele origin: germline.
Comment: This sequence change replaces arginine, which is basic and polar, with histidine, which is basic and polar, at codon 280 of the MOGS protein (p.Arg280His). This variant is present in population databases (rs571061699, gnomAD 0.04%). This variant has not been reported in the literature in individuals affected with MOGS-related conditions. Invitae Evidence Modeling of protein sequence and biophysical properties (such as structural, functional, and spatial information, amino acid conservation, physicochemical variation, residue mobility, and thermodynamic stability) indicates that this missense variant is not expected to disrupt MOGS protein function with a negative predictive value of 80%. In summary, the available evidence is currently insufficient to determine the role of this variant in disease. Therefore, it has been classified as a Variant of Uncertain Significance.

NM_006302.3(MOGS):c.839G>A (p.Arg280His)

Gene: MOGS (mannosyl-oligosaccharide glucosidase; minus strand). Cytogenetic location: 2p13.1.
Variant type: single nucleotide variant.
Coding change: c.839G>A on transcript NM_006302.3 (MANE Select); coding-DNA position 839, G replaced by A.
Protein change: p.Arg280His; replaces arginine 280 with histidine.
Molecular consequence: missense variant.
Genome position (GRCh38, 1-based): chr2:74,462,950, C>T on the plus strand (G>A on the coding strand, the complement: MOGS is on the minus strand). VCF-style: chr2-74462950-C-T. GRCh37 (hg19) VCF-style: chr2-74690077-C-T.
Other names: c.521G>A, p.Arg174His (NM_001146158.2); short protein forms R174H, R280H.
Identifiers: ClinVar variation 4748003 (VCV004748003.1).
Genomic context (GRCh38, chr2:74,462,950, plus strand): 5'-AAGCCGAGGTAGCGTTCAGGGGGGGCCCCTGGGGGCCGATGCTGAAACCAGCTATTTAGG[C>T]GACTCTTTACCATCTCTGTCAGCAGGGGCAGTCCTGGGTTGGAGGTCCAGAAGACATTGT-3'
Protein context (NP_006293.2, residues 270-290): LPLLTEMVKS[Arg280His]LNSWFQHRPP